The following is an entry in ClinVar:

NM_003906.5(MCM3AP):c.5785-6A>T

Genes: MCM3AP (minichromosome maintenance complex component 3 associated protein; minus strand), MCM3AP-AS1 (MCM3AP antisense RNA 1; plus strand). Cytogenetic location: 21q22.3.
Variant type: single nucleotide variant.
Coding change: c.5785-6A>T on transcript NM_003906.5 (MANE Select); 6 bases into the intron before coding-DNA position 5785, A replaced by T.
Molecular consequence: intron variant.
Genome position (GRCh38, 1-based): chr21:46,235,432, T>A on the plus strand (A>T on the coding strand, the complement: MCM3AP is on the minus strand). VCF-style: chr21-46235432-T-A. GRCh37 (hg19) VCF-style: chr21-47655346-T-A.
Identifiers: ClinVar variation 1546078 (VCV001546078.31), dbSNP rs373865756, ClinGen allele CA10075739.
Genomic context (GRCh38, chr21:46,235,432, plus strand): 5'-CTAGACACGTTCCTGTCGCCTCTGACAGCTGCAGTTGCTCCCTCATCATGTCACTCTATT[T>A]GAATAAAAAAGAAACTGAACAGTTTTGGGATGTCAATAAACCACGACCTATCTCTGGGAA-3'

ClinVar aggregate classification (germline): Likely benign. Review status: criteria provided, multiple submitters, no conflicts (2 of 4 stars). 2 submissions from 2 submitters: Likely benign (2). Last evaluated 2026-01-19.

Allele frequency attached by ClinVar (database versions not stated): ESP Exome Variant Server 0.00008; ExAC 0.00013; gnomAD exomes 0.00015 and 0.00019; 1000 Genomes Project 0.00020; 1000 Genomes Project 30x 0.00031.
gnomAD v4.1: 240 of 1,613,706 alleles (0.015%); highest among the groups gnomAD compares: Middle Eastern, 0.049%; 1 homozygote.

Submissions (2):

Labcorp Genetics (formerly Invitae), Labcorp
Classification: Likely benign. Last evaluated: 2026-01-19. Review status: criteria provided, single submitter. Criteria: Invitae Variant Classification Sherloc (09022015). Collection method: clinical testing. Allele origin: germline.

CeGaT Center for Human Genetics Tuebingen
Classification: Likely benign. Last evaluated: 2025-05-01. Review status: criteria provided, single submitter. Criteria: CeGaT Center For Human Genetics Tuebingen Variant Classification Criteria Version 2. Collection method: clinical testing. Allele origin: germline. Affected: yes. Observed: 3 variant alleles.
Comment: MCM3AP: BP4